The following is an entry in ClinVar:

NM_001845.6(COL4A1):c.3776C>G (p.Pro1259Arg)

Gene: COL4A1 (collagen type IV alpha 1 chain; minus strand). Cytogenetic location: 13q34.
Variant type: single nucleotide variant.
Coding change: c.3776C>G on transcript NM_001845.6 (MANE Select); coding-DNA position 3776, C replaced by G.
Protein change: p.Pro1259Arg; replaces proline 1259 with arginine.
Molecular consequence: missense variant.
Genome position (GRCh38, 1-based): chr13:110,169,729, G>C on the plus strand (C>G on the coding strand, the complement: COL4A1 is on the minus strand). VCF-style: chr13-110169729-G-C. GRCh37 (hg19) VCF-style: chr13-110822076-G-C.
Other names: p.Pro1259Arg; short protein forms P1259R.
Identifiers: ClinVar variation 289290 (VCV000289290.51), dbSNP rs146329532, ClinGen allele CA7047140.

ClinVar aggregate classification (germline): Benign/Likely benign. Review status: criteria provided, multiple submitters, no conflicts (2 of 4 stars). 8 submissions from 8 submitters: Benign (4); Likely benign (4). Last evaluated 2026-02-03.

Allele frequency attached by ClinVar (database versions not stated): gnomAD exomes 0.00052 and 0.00109; ExAC 0.00090; 1000 Genomes Project 30x 0.00187; 1000 Genomes Project 0.00220; ESP Exome Variant Server 0.00323; gnomAD 0.00328 and 0.00352; TOPMed 0.00340.
gnomAD v4.1: 1,313 of 1,613,980 alleles (0.081%); highest among the groups gnomAD compares: African/African-American, 1%; 5 homozygotes.

Submissions (8):

Labcorp Genetics (formerly Invitae), Labcorp
Classification: Benign. Last evaluated: 2026-02-03. Review status: criteria provided, single submitter. Criteria: Invitae Variant Classification Sherloc (09022015). Collection method: clinical testing. Allele origin: germline.

CeGaT Center for Human Genetics Tuebingen
Classification: Likely benign. Last evaluated: 2026-01-01. Review status: criteria provided, single submitter. Criteria: CeGaT Center For Human Genetics Tuebingen Variant Classification Criteria Version 2. Collection method: clinical testing. Allele origin: germline. Affected: yes. Observed: 5 variant alleles.
Comment: COL4A1: BS1

Mayo Clinic Laboratories, Mayo Clinic
Classification: Benign. Last evaluated: 2025-04-21. Review status: criteria provided, single submitter. Criteria: ACMG Guidelines, 2015. Collection method: clinical testing. Allele origin: germline. Observed: 3 variant alleles.
Comment: BS1, BS2

Blueprint Genetics
Classification: Likely benign. Last evaluated: 2024-09-23. Review status: criteria provided, single submitter. Criteria: ACMG Guidelines, 2015. Collection method: clinical testing. Allele origin: germline.

GeneDx
Classification: Benign. Last evaluated: 2020-04-01. Review status: criteria provided, single submitter. Criteria: GeneDx Variant Classification Process June 2021. Collection method: clinical testing. Allele origin: germline. Affected: yes.

Center for Pediatric Genomic Medicine, Children's Mercy Hospital and Clinics
Classification: Likely benign. Last evaluated: 2017-05-31. Review status: criteria provided, single submitter. Criteria: ACMG Guidelines, 2015. Collection method: clinical testing. Allele origin: germline.

Eurofins Ntd Llc (ga)
Classification: Benign. Last evaluated: 2016-08-03. Review status: criteria provided, single submitter. Criteria: EGL Classification Definitions 2015. Collection method: clinical testing. Allele origin: germline. Observed: 1 variant allele, 1 heterozygote.

Breakthrough Genomics
Classification: Likely benign. Review status: criteria provided, single submitter. Criteria: ACMG Guidelines, 2015. Collection method: not provided. Allele origin: germline. Inheritance: Autosomal dominant inheritance. Affected: yes.